The following is an entry in ClinVar:

ClinVar aggregate classification (germline): Uncertain significance (1 of 4 stars; one submission).

Submission:

Labcorp Genetics (formerly Invitae), Labcorp
Classification: Uncertain significance. Last evaluated: 2025-09-07. Review status: criteria provided, single submitter. Criteria: Invitae Variant Classification Sherloc (09022015). Collection method: clinical testing. Allele origin: germline.
Comment: This sequence change replaces leucine, which is neutral and non-polar, with proline, which is neutral and non-polar, at codon 236 of the WNT1 protein (p.Leu236Pro). This variant is not present in population databases (gnomAD no frequency). This variant has not been reported in the literature in individuals affected with WNT1-related conditions. Invitae Evidence Modeling of protein sequence and biophysical properties (such as structural, functional, and spatial information, amino acid conservation, physicochemical variation, residue mobility, and thermodynamic stability) indicates that this missense variant is expected to disrupt WNT1 protein function with a positive predictive value of 80%. In summary, the available evidence is currently insufficient to determine the role of this variant in disease. Therefore, it has been classified as a Variant of Uncertain Significance.

NM_005430.4(WNT1):c.707T>C (p.Leu236Pro)

Gene: WNT1 (Wnt family member 1; plus strand). Cytogenetic location: 12q13.12.
Variant type: single nucleotide variant.
Coding change: c.707T>C on transcript NM_005430.4 (MANE Select); coding-DNA position 707, T replaced by C.
Protein change: p.Leu236Pro; replaces leucine 236 with proline.
Molecular consequence: missense variant.
Genome position (GRCh38, 1-based): chr12:48,981,234, T>C. VCF-style: chr12-48981234-T-C. GRCh37 (hg19) VCF-style: chr12-49375017-T-C.
Other names: short protein forms L236P.
Identifiers: ClinVar variation 4745168 (VCV004745168.1).